The following is an entry in ClinVar:

ClinVar aggregate classification (germline): Uncertain significance (1 of 4 stars; one submission).

Conditions:
Charcot-Marie-Tooth disease type 4. Also called: Charcot-Marie-Tooth disease, type IV; Charcot-Marie-Tooth, Type 4. Identifiers: Orphanet 64749, MedGen C4082197, MONDO:0018995.

Allele frequency attached by ClinVar (database versions not stated): TOPMed 0.00001; gnomAD 0.00003.
gnomAD v4.1: 8 of 1,614,054 alleles (0.0005%); highest among the groups gnomAD compares: Admixed American, 0.013%; no homozygotes.

Submission:

Labcorp Genetics (formerly Invitae), Labcorp
Classification: Uncertain significance for Charcot-Marie-Tooth disease type 4. Last evaluated: 2019-08-25. Review status: criteria provided, single submitter. Criteria: Invitae Variant Classification Sherloc (09022015). Collection method: clinical testing. Allele origin: germline.
Comment: In summary, the available evidence is currently insufficient to determine the role of this variant in disease. Therefore, it has been classified as a Variant of Uncertain Significance. Algorithms developed to predict the effect of missense changes on protein structure and function do not agree on the potential impact of this missense change (SIFT: "Tolerated"; PolyPhen-2: "Possibly Damaging"; Align-GVGD: "Class C0"). This variant has not been reported in the literature in individuals with PRX-related disease. This variant is not present in population databases (ExAC no frequency). This sequence change replaces alanine with serine at codon 407 of the PRX protein (p.Ala407Ser). The alanine residue is moderately conserved and there is a moderate physicochemical difference between alanine and serine.

NM_181882.3(PRX):c.1219G>T (p.Ala407Ser)

Gene: PRX (periaxin; minus strand). Cytogenetic location: 19q13.2.
Variant type: single nucleotide variant.
Coding change: c.1219G>T on transcript NM_181882.3 (MANE Select); coding-DNA position 1219, G replaced by T.
Protein change: p.Ala407Ser; replaces alanine 407 with serine.
Molecular consequence: missense variant. On other transcripts: 3 prime UTR variant (1).
Genome position (GRCh38, 1-based): chr19:40,397,133, C>A on the plus strand (G>T on the coding strand, the complement: PRX is on the minus strand). VCF-style: chr19-40397133-C-A. GRCh37 (hg19) VCF-style: chr19-40903040-C-A.
Other names: c.*1424G>T (NM_020956.2); short protein forms A407S.
Identifiers: ClinVar variation 963167 (VCV000963167.9), dbSNP rs752941494, ClinGen allele CA405898845.